The following is an entry in ClinVar:

NM_015999.6(ADIPOR1):c.118C>T (p.Arg40Trp)

Gene: ADIPOR1 (adiponectin receptor 1; minus strand). Cytogenetic location: 1q32.1.
Variant type: single nucleotide variant.
Coding change: c.118C>T on transcript NM_015999.6 (MANE Select); coding-DNA position 118, C replaced by T.
Protein change: p.Arg40Trp; replaces arginine 40 with tryptophan.
Molecular consequence: missense variant.
Genome position (GRCh38, 1-based): chr1:202,950,953, G>A on the plus strand (C>T on the coding strand, the complement: ADIPOR1 is on the minus strand). VCF-style: chr1-202950953-G-A. GRCh37 (hg19) VCF-style: chr1-202920081-G-A.
Other names: c.118C>T, p.Arg40Trp (NM_001127687.1, NM_001290553.2, NM_001290557.1 and 1 more transcripts); short protein forms R40W.
Identifiers: ClinVar variation 2092566 (VCV002092566.4), dbSNP rs766587890, ClinGen allele CA35608915.

ClinVar aggregate classification (germline): Uncertain significance (1 of 4 stars; one submission).

Allele frequency attached by ClinVar (database versions not stated): TOPMed 0.00001; gnomAD 0.00002.
gnomAD v4.1: 17 of 1,614,026 alleles (0.0011%); highest among the groups gnomAD compares: Middle Eastern, 0.016%; no homozygotes.

Submission:

Labcorp Genetics (formerly Invitae), Labcorp
Classification: Uncertain significance. Last evaluated: 2022-08-26. Review status: criteria provided, single submitter. Criteria: Invitae Variant Classification Sherloc (09022015). Collection method: clinical testing. Allele origin: germline.
Comment: In summary, the available evidence is currently insufficient to determine the role of this variant in disease. Therefore, it has been classified as a Variant of Uncertain Significance. Algorithms developed to predict the effect of missense changes on protein structure and function are either unavailable or do not agree on the potential impact of this missense change (SIFT: "Deleterious"; PolyPhen-2: "Benign"; Align-GVGD: "Class C0"). This variant has not been reported in the literature in individuals affected with ADIPOR1-related conditions. This variant is present in population databases (no rsID available, gnomAD 0.06%). This sequence change replaces arginine, which is basic and polar, with tryptophan, which is neutral and slightly polar, at codon 40 of the ADIPOR1 protein (p.Arg40Trp).